The following is an entry in ClinVar:

NM_032977.4(CASP10):c.310C>T (p.Arg104Ter)

Gene: CASP10 (caspase 10; plus strand). Cytogenetic location: 2q33.1.
Variant type: single nucleotide variant.
Coding change: c.310C>T on transcript NM_032977.4 (MANE Select); coding-DNA position 310, C replaced by T.
Protein change: p.Arg104Ter; replaces arginine 104 with a stop codon.
Molecular consequence: nonsense.
Genome position (GRCh38, 1-based): chr2:201,186,087, C>T. VCF-style: chr2-201186087-C-T. GRCh37 (hg19) VCF-style: chr2-202050810-C-T.
Other names: c.310C>T, p.Arg104Ter (NM_001206524.2, NM_001206542.2, NM_001230.5 and 3 more transcripts); short protein forms R104*.
Identifiers: ClinVar variation 571302 (VCV000571302.13), dbSNP rs779212325, ClinGen allele CA2052811.

ClinVar aggregate classification (germline): Uncertain significance. Review status: criteria provided, multiple submitters, no conflicts (2 of 4 stars). 2 submissions from 2 submitters: Uncertain significance (2). Last evaluated 2026-01-08.

Conditions:
Autoimmune lymphoproliferative syndrome type 2A (ALPS2A). Also called: CASP10-Related Autoimmune Lymphoproliferative Syndrome; Autoimmune lymphoproliferative syndrome type 2; AUTOIMMUNE LYMPHOPROLIFERATIVE SYNDROME, TYPE IIA. Identifiers: Orphanet 3261, MedGen C1858968, MONDO:0011383, OMIM 603909.

Allele frequency attached by ClinVar (database versions not stated): ExAC 0.00001; gnomAD exomes 0.00001; gnomAD 0.00003 and 0.00004; TOPMed 0.00003.
gnomAD v4.1: 17 of 1,612,132 alleles (0.0011%); highest among the groups gnomAD compares: African/African-American, 0.008%; no homozygotes.

Submissions (2):

Labcorp Genetics (formerly Invitae), Labcorp
Classification: Uncertain significance for Autoimmune lymphoproliferative syndrome type 2A. Last evaluated: 2026-01-08. Review status: criteria provided, single submitter. Criteria: Invitae Variant Classification Sherloc (09022015). Collection method: clinical testing. Allele origin: germline.
Comment: This sequence change creates a premature translational stop signal (p.Arg104*) in the CASP10 gene. It is expected to result in an absent or disrupted protein product. However, the current clinical and genetic evidence is not sufficient to establish whether loss-of-function variants in CASP10 cause disease. This variant is present in population databases (rs779212325, gnomAD 0.003%). This variant has not been reported in the literature in individuals affected with CASP10-related conditions. ClinVar contains an entry for this variant (Variation ID: 571302). In summary, the available evidence is currently insufficient to determine the role of this variant in disease. Therefore, it has been classified as a Variant of Uncertain Significance.

Blueprint Genetics
Classification: Uncertain significance. Last evaluated: 2021-10-27. Review status: criteria provided, single submitter. Criteria: ACMG Guidelines, 2015. Collection method: clinical testing. Allele origin: germline.